The following is an entry in ClinVar:

NM_000374.5(UROD):c.659A>C (p.His220Pro)

Gene: UROD (uroporphyrinogen decarboxylase; plus strand). Cytogenetic location: 1p34.1.
Variant type: single nucleotide variant.
Coding change: c.659A>C on transcript NM_000374.5 (MANE Select); coding-DNA position 659, A replaced by C.
Protein change: p.His220Pro; replaces histidine 220 with proline.
Molecular consequence: missense variant. On other transcripts: non-coding transcript variant (3).
Genome position (GRCh38, 1-based): chr1:45,014,461, A>C. VCF-style: chr1-45014461-A-C. GRCh37 (hg19) VCF-style: chr1-45480133-A-C.
Other names: p.His220Pro; short protein forms H220P.
Identifiers: ClinVar variation 3720201 (VCV003720201.3).

ClinVar aggregate classification (germline): Pathogenic/Likely pathogenic. Review status: criteria provided, multiple submitters, no conflicts (2 of 4 stars). 2 submissions from 2 submitters: Pathogenic (1); Likely pathogenic (1). Last evaluated 2025-12-31.

gnomAD v4.1: 3 of 1,614,096 alleles (0.00019%); highest among the groups gnomAD compares: Non-Finnish European, 0.00025%; no homozygotes.

Submissions (2):

Labcorp Genetics (formerly Invitae), Labcorp
Classification: Pathogenic. Last evaluated: 2025-12-31. Review status: criteria provided, single submitter. Criteria: Invitae Variant Classification Sherloc (09022015). Collection method: clinical testing. Allele origin: germline.
Comment: This sequence change replaces histidine, which is basic and polar, with proline, which is neutral and non-polar, at codon 220 of the UROD protein (p.His220Pro). This variant is not present in population databases (gnomAD no frequency). This missense change has been observed in individual(s) with hepatoerythropoietic porphyria (PMID: 8176248, 22382040). In at least one individual the data is consistent with being in trans (on the opposite chromosome) from a pathogenic variant. This variant is also known as c.677A>C. ClinVar contains an entry for this variant (Variation ID: 3720201). Invitae Evidence Modeling of protein sequence and biophysical properties (such as structural, functional, and spatial information, amino acid conservation, physicochemical variation, residue mobility, and thermodynamic stability) has been performed for this missense variant. However, the output from this modeling did not meet the statistical confidence thresholds required to predict the impact of this variant on UROD protein function. Experimental studies have shown that this missense change affects UROD function (PMID: 8176248). For these reasons, this variant has been classified as Pathogenic.

Mayo Clinic Laboratories, Mayo Clinic
Classification: Likely pathogenic. Last evaluated: 2025-11-18. Review status: criteria provided, single submitter. Criteria: ACMG Guidelines, 2015. Collection method: clinical testing. Allele origin: germline. Observed: 2 variant alleles.
Comment: PP3_strong, PP4, PM2_supporting, PM3, PS3_supporting, PS4_moderate

Literature cited by the submitters: PubMed 8176248 (cited by Labcorp Genetics (formerly Invitae), Labcorp and Mayo Clinic Laboratories, Mayo Clinic); PubMed 22382040 (cited by Labcorp Genetics (formerly Invitae), Labcorp and Mayo Clinic Laboratories, Mayo Clinic); PubMed 10477430 (cited by Mayo Clinic Laboratories, Mayo Clinic); PubMed 11719352 (cited by Mayo Clinic Laboratories, Mayo Clinic); PubMed 26789143 (cited by Mayo Clinic Laboratories, Mayo Clinic); PubMed 8644733 (cited by Mayo Clinic Laboratories, Mayo Clinic).